The following is an entry in ClinVar:

ClinVar aggregate classification (germline): Likely benign. Review status: criteria provided, multiple submitters, no conflicts (2 of 4 stars). 2 submissions from 2 submitters: Likely benign (2). Last evaluated 2025-03-01.

Conditions:
Inborn genetic diseases. Identifiers: MedGen C0950123, MeSH D030342.

Allele frequency attached by ClinVar (database versions not stated): gnomAD 0.00003; TOPMed 0.00003; 1000 Genomes Project 0.00040; 1000 Genomes Project 30x 0.00047.
gnomAD v4.1: 24 of 1,611,778 alleles (0.0015%); highest among the groups gnomAD compares: East Asian, 0.027%; no homozygotes.

Submissions (2):

CeGaT Center for Human Genetics Tuebingen
Classification: Likely benign. Last evaluated: 2025-03-01. Review status: criteria provided, single submitter. Criteria: CeGaT Center For Human Genetics Tuebingen Variant Classification Criteria Version 2. Collection method: clinical testing. Allele origin: germline. Affected: yes. Observed: 1 variant allele.
Comment: TRIO: BP4

Ambry Genetics
Classification: Likely benign for Inborn genetic diseases. Last evaluated: 2023-06-29. Review status: criteria provided, single submitter. Criteria: Ambry Variant Classification Scheme 2023. Collection method: clinical testing. Allele origin: germline.

NM_007118.4(TRIO):c.8711G>A (p.Arg2904Gln)

Gene: TRIO (trio Rho guanine nucleotide exchange factor; plus strand). Cytogenetic location: 5p15.2.
Variant type: single nucleotide variant.
Coding change: c.8711G>A on transcript NM_007118.4 (MANE Select); coding-DNA position 8711, G replaced by A.
Protein change: p.Arg2904Gln; replaces arginine 2904 with glutamine.
Molecular consequence: missense variant. On other transcripts: non-coding transcript variant (1).
Genome position (GRCh38, 1-based): chr5:14,507,220, G>A. VCF-style: chr5-14507220-G-A. GRCh37 (hg19) VCF-style: chr5-14507329-G-A.
Other names: short protein forms R2904Q.
Identifiers: ClinVar variation 2608073 (VCV002608073.9), dbSNP rs182365882, ClinGen allele CA3207954.